The following is an entry in ClinVar:

ClinVar aggregate classification (germline): Uncertain significance (1 of 4 stars; one submission).

Conditions:
ALG12-congenital disorder of glycosylation (CDG1G). Also called: Congenital disorder of glycosylation, type Ig; CDG Ig; ALG12-CDG. Identifiers: Orphanet 79324, MedGen C2931001, MONDO:0011783, OMIM 607143.

Allele frequency attached by ClinVar (database versions not stated): gnomAD exomes below 0.00001; TOPMed 0.00001.
gnomAD v4.1: 1 of 1,614,182 alleles (0.000062%); no homozygotes.

Submission:

Labcorp Genetics (formerly Invitae), Labcorp
Classification: Uncertain significance for ALG12-congenital disorder of glycosylation. Last evaluated: 2021-08-27. Review status: criteria provided, single submitter. Criteria: Invitae Variant Classification Sherloc (09022015). Collection method: clinical testing. Allele origin: germline.
Comment: This sequence change replaces alanine with valine at codon 356 of the ALG12 protein (p.Ala356Val). The alanine residue is moderately conserved and there is a small physicochemical difference between alanine and valine. This variant is not present in population databases (ExAC no frequency). This variant has not been reported in the literature in individuals affected with ALG12-related conditions. Algorithms developed to predict the effect of missense changes on protein structure and function output the following: SIFT: "Tolerated"; PolyPhen-2: "Benign"; Align-GVGD: "Class C0". The valine amino acid residue is found in multiple mammalian species, which suggests that this missense change does not adversely affect protein function. In summary, the available evidence is currently insufficient to determine the role of this variant in disease. Therefore, it has been classified as a Variant of Uncertain Significance.

NM_024105.4(ALG12):c.1067C>T (p.Ala356Val)

Gene: ALG12 (ALG12 alpha-1,6-mannosyltransferase; minus strand). Cytogenetic location: 22q13.33.
Variant type: single nucleotide variant.
Coding change: c.1067C>T on transcript NM_024105.4 (MANE Select); coding-DNA position 1067, C replaced by T.
Protein change: p.Ala356Val; replaces alanine 356 with valine.
Molecular consequence: missense variant.
Genome position (GRCh38, 1-based): chr22:49,904,432, G>A on the plus strand (C>T on the coding strand, the complement: ALG12 is on the minus strand). VCF-style: chr22-49904432-G-A. GRCh37 (hg19) VCF-style: chr22-50298080-G-A.
Other names: short protein forms A356V.
Identifiers: ClinVar variation 1508038 (VCV001508038.5), dbSNP rs866503885, ClinGen allele CA325424830.